The following is an entry in ClinVar:

ClinVar aggregate classification (germline): Benign (3 of 4 stars; one submission).

Conditions:
Breast-ovarian cancer, familial, susceptibility to, 1 (BROVCA1). Also called: BRCA1 Hereditary Breast and Ovarian Cancer; OVARIAN CANCER, SUSCEPTIBILITY TO. Identifiers: Orphanet 145, MedGen C2676676, MONDO:0011450, OMIM 604370. Disease mechanism: loss of function.

Allele frequency attached by ClinVar (database versions not stated): 1000 Genomes Project 30x 0.00250; gnomAD 0.00276 and 0.00302; 1000 Genomes Project 0.00300; TOPMed 0.00311.
gnomAD v4.1: 415 of 152,122 alleles (0.27%); highest among the groups gnomAD compares: African/African-American, 0.94%; 1 homozygote.

Submission:

Evidence-based Network for the Interpretation of Germline Mutant Alleles (ENIGMA)
Classification: Benign for Breast-ovarian cancer, familial 1. Last evaluated: 2015-01-12. Review status: reviewed by expert panel. Criteria: ENIGMA BRCA1/2 Classification Criteria (2015). Collection method: curation. Allele origin: germline.
Comment: Class 1 not pathogenic based on frequency >1% in an outbred sampleset. Frequency 0.01423 (African), derived from 1000 genomes (2012-04-30).

NM_007294.4(BRCA1):c.5467+712C>G

Gene: BRCA1 (BRCA1 DNA repair associated; minus strand). Cytogenetic location: 17q21.31.
Variant type: single nucleotide variant.
Coding change: c.5467+712C>G on transcript NM_007294.4 (MANE Select); 712 bases into the intron after coding-DNA position 5467, C replaced by G.
Molecular consequence: intron variant.
Genome position (GRCh38, 1-based): chr17:43,046,931, G>C on the plus strand (C>G on the coding strand, the complement: BRCA1 is on the minus strand). VCF-style: chr17-43046931-G-C. GRCh37 (hg19) VCF-style: chr17-41198948-G-C.
Other names: IVS 23+712C>G; c.2014+712C>G (NM_001408458.1, NM_001408461.1, NM_001408464.1 and 7 more transcripts); c.4576+712C>G (NM_001407967.1); c.5086+712C>G (NM_001407959.1); c.5200+712C>G (NM_001407931.1, NM_001407932.1, NM_001407928.1 and 4 more transcripts); c.5323+712C>G (NM_001407747.1, NM_001407745.1, NM_001407737.1 and 18 more transcripts); c.5083+712C>G (NM_001407962.1, NM_001407960.1); c.1654+712C>G (NM_001408512.1); and 84 more.
Identifiers: ClinVar variation 209239 (VCV000209239.2), dbSNP rs139237482, ClinGen allele CA276211.